The following is an entry in ClinVar:

NM_033109.5(PNPT1):c.2275G>A (p.Val759Met)

Gene: PNPT1 (polyribonucleotide nucleotidyltransferase 1; minus strand). Cytogenetic location: 2p16.1.
Variant type: single nucleotide variant.
Coding change: c.2275G>A on transcript NM_033109.5 (MANE Select); coding-DNA position 2275, G replaced by A.
Protein change: p.Val759Met; replaces valine 759 with methionine.
Molecular consequence: missense variant.
Genome position (GRCh38, 1-based): chr2:55,636,314, C>T on the plus strand (G>A on the coding strand, the complement: PNPT1 is on the minus strand). VCF-style: chr2-55636314-C-T. GRCh37 (hg19) VCF-style: chr2-55863449-C-T.
Other names: c.2275G>A (NM_033109.4); short protein forms V759M.
Identifiers: ClinVar variation 1496936 (VCV001496936.4), dbSNP rs145553870, ClinGen allele CA1667728.

ClinVar aggregate classification (germline): Uncertain significance. Review status: criteria provided, multiple submitters, no conflicts (2 of 4 stars). 2 submissions from 2 submitters: Uncertain significance (2). Last evaluated 2024-03-29.

Allele frequency attached by ClinVar (database versions not stated): ESP Exome Variant Server 0.00008.
gnomAD v4.1: 61 of 1,613,876 alleles (0.0038%); highest among the groups gnomAD compares: Admixed American, 0.0083%; no homozygotes.

Submissions (2):

GeneDx
Classification: Uncertain significance. Last evaluated: 2024-03-29. Review status: criteria provided, single submitter. Criteria: GeneDx Variant Classification Process June 2021. Collection method: clinical testing. Allele origin: germline. Affected: yes.
Comment: Not observed at significant frequency in large population cohorts (gnomAD); In silico analysis supports that this missense variant does not alter protein structure/function; Has not been previously published as pathogenic or benign to our knowledge

Labcorp Genetics (formerly Invitae), Labcorp
Classification: Uncertain significance. Last evaluated: 2022-02-10. Review status: criteria provided, single submitter. Criteria: Invitae Variant Classification Sherloc (09022015). Collection method: clinical testing. Allele origin: germline.
Comment: This sequence change replaces valine, which is neutral and non-polar, with methionine, which is neutral and non-polar, at codon 759 of the PNPT1 protein (p.Val759Met). This variant is present in population databases (rs145553870, gnomAD 0.01%). This variant has not been reported in the literature in individuals affected with PNPT1-related conditions. Advanced modeling of protein sequence and biophysical properties (such as structural, functional, and spatial information, amino acid conservation, physicochemical variation, residue mobility, and thermodynamic stability) performed at Invitae indicates that this missense variant is not expected to disrupt PNPT1 protein function. In summary, the available evidence is currently insufficient to determine the role of this variant in disease. Therefore, it has been classified as a Variant of Uncertain Significance.